The following is an entry in ClinVar:

ClinVar aggregate classification (germline): Uncertain significance (1 of 4 stars; one submission).

Conditions:
Hereditary cancer-predisposing syndrome. Also called: Neoplastic Syndromes, Hereditary; Hereditary Cancer Syndrome; Tumor predisposition; Hereditary neoplastic syndrome. Identifiers: Orphanet 140162, MedGen C0027672, MeSH D009386, MONDO:0015356.

Submission:

Ambry Genetics
Classification: Uncertain significance for Hereditary cancer-predisposing syndrome. Last evaluated: 2024-12-31. Review status: criteria provided, single submitter. Criteria: Ambry Variant Classification Scheme 2023. Collection method: clinical testing. Allele origin: germline.
Comment: The p.L377R variant (also known as c.1130T>G), located in coding exon 8 of the POLD1 gene, results from a T to G substitution at nucleotide position 1130. The leucine at codon 377 is replaced by arginine, an amino acid with dissimilar properties. This amino acid position is conserved. In addition, this alteration is predicted to be deleterious by in silico analysis. Based on the available evidence, the clinical significance of this variant remains unclear.

NM_002691.4(POLD1):c.1130T>G (p.Leu377Arg)

Gene: POLD1 (DNA polymerase delta 1, catalytic subunit; plus strand). Cytogenetic location: 19q13.33.
Variant type: single nucleotide variant.
Coding change: c.1130T>G on transcript NM_002691.4 (MANE Select); coding-DNA position 1130, T replaced by G.
Protein change: p.Leu377Arg; replaces leucine 377 with arginine.
Molecular consequence: missense variant. On other transcripts: non-coding transcript variant (1).
Genome position (GRCh38, 1-based): chr19:50,403,212, T>G. VCF-style: chr19-50403212-T-G. GRCh37 (hg19) VCF-style: chr19-50906469-T-G.
Other names: c.1130T>G, p.Leu377Arg (NM_001256849.1, NM_001308632.1); short protein forms L377R.
Identifiers: ClinVar variation 3781374 (VCV003781374.1).
Genomic context (GRCh38, chr19:50,403,212, plus strand): 5'-TGCGGCCCTGTGCCCCCATCCTGGGTGCCAAGGTGCAGAGCTACGAGAAGGAGGAGGACC[T>G]GCTGCAGGTAGCTCTCGCTCCACGCCCCACACCATTTCCCGGGGTCCCCGCCAGCCTCCG-3'
Protein context (NP_002682.2, residues 367-387): KVQSYEKEED[Leu377Arg]LQAWSTFIRI